The following is an entry in ClinVar:

NM_002890.3(RASA1):c.451G>C (p.Gly151Arg)

Gene: RASA1 (RAS p21 protein activator 1; plus strand). Cytogenetic location: 5q14.3.
Variant type: single nucleotide variant.
Coding change: c.451G>C on transcript NM_002890.3 (MANE Select); coding-DNA position 451, G replaced by C.
Protein change: p.Gly151Arg; replaces glycine 151 with arginine.
Molecular consequence: missense variant.
Genome position (GRCh38, 1-based): chr5:87,268,902, G>C. VCF-style: chr5-87268902-G-C. GRCh37 (hg19) VCF-style: chr5-86564719-G-C.
Other names: short protein forms G151R.
Identifiers: ClinVar variation 1741203 (VCV001741203.4), dbSNP rs2531003610, ClinGen allele CA360417412.

ClinVar aggregate classification (germline): Uncertain significance. Review status: criteria provided, multiple submitters, no conflicts (2 of 4 stars). 2 submissions from 2 submitters: Uncertain significance (2). Last evaluated 2024-12-12.

Conditions:
Cardiovascular phenotype. Identifiers: MedGen CN230736.
Capillary malformation-arteriovenous malformation syndrome. Also called: Capillary malformation-arteriovenous malformation. Identifiers: Orphanet 137667, MedGen C1842180, MONDO:0012016.

gnomAD v4.1: 1 of 1,614,182 alleles (0.000062%); no homozygotes.

Submissions (2):

Labcorp Genetics (formerly Invitae), Labcorp
Classification: Uncertain significance for Capillary malformation-arteriovenous malformation syndrome. Last evaluated: 2024-12-12. Review status: criteria provided, single submitter. Criteria: Invitae Variant Classification Sherloc (09022015). Collection method: clinical testing. Allele origin: germline.
Comment: This sequence change replaces glycine, which is neutral and non-polar, with arginine, which is basic and polar, at codon 151 of the RASA1 protein (p.Gly151Arg). This variant is not present in population databases (gnomAD no frequency). This variant has not been reported in the literature in individuals affected with RASA1-related conditions. ClinVar contains an entry for this variant (Variation ID: 1741203). An algorithm developed to predict the effect of missense changes on protein structure and function (PolyPhen-2) suggests that this variant is likely to be disruptive. In summary, the available evidence is currently insufficient to determine the role of this variant in disease. Therefore, it has been classified as a Variant of Uncertain Significance.

Ambry Genetics
Classification: Uncertain significance for Cardiovascular phenotype. Last evaluated: 2022-09-05. Review status: criteria provided, single submitter. Criteria: Ambry Variant Classification Scheme 2023. Collection method: clinical testing. Allele origin: germline.
Comment: The p.G151R variant (also known as c.451G>C), located in coding exon 1 of the RASA1 gene, results from a G to C substitution at nucleotide position 451. The glycine at codon 151 is replaced by arginine, an amino acid with dissimilar properties. This amino acid position is conserved. In addition, the in silico prediction for this alteration is inconclusive. Since supporting evidence is limited at this time, the clinical significance of this alteration remains unclear.